The following is an entry in ClinVar:

NM_014633.4(CTR9):c.1286del

Genes: CTR9 (CTR9 component of Paf1/RNA polymerase II complex; plus strand), LOC126861140 (CDK7 strongly-dependent group 2 enhancer GRCh37_chr11:10785333-10786532; plus strand). Cytogenetic location: 11p15.4.
Variant type: Deletion.
Coding change: c.1286del on transcript NM_014633.4; coding-DNA position 1286, one base deleted (G; older notation c.1286delG).
Genome position (GRCh38, 1-based): chr11:10,764,309, G deleted; the last of 3 consecutive G bases (chr11:10,764,307-10,764,309); deleting any one gives the same sequence. VCF-style (leftmost placement, unchanged base first): chr11-10764306-AG-A. GRCh37 (hg19) VCF-style: chr11-10785853-AG-A.
Identifiers: ClinVar variation 1806792 (VCV001806792.2), dbSNP rs2539380198, ClinGen allele CA2580082687.

ClinVar aggregate classification (germline): Likely pathogenic (1 of 4 stars; one submission).

Submission:

GeneDx
Classification: Likely pathogenic. Last evaluated: 2026-02-04. Review status: criteria provided, single submitter. Criteria: GeneDx Variant Classification Process June 2021. Collection method: clinical testing. Allele origin: germline. Affected: yes.
Comment: Frameshift variant predicted to result in protein truncation or nonsense mediated decay in a gene for which loss of function is a known mechanism of disease; Not observed at significant frequency in large population cohorts (gnomAD); Has not been previously published as pathogenic or benign to our knowledge